The following is an entry in ClinVar:

ClinVar aggregate classification (germline): Likely benign. Review status: criteria provided, multiple submitters, no conflicts (2 of 4 stars). 2 submissions from 2 submitters: Likely benign (2). Last evaluated 2018-06-19.

Allele frequency attached by ClinVar (database versions not stated): gnomAD 0.01059 and 0.01177; TOPMed 0.01104; 1000 Genomes Project 30x 0.01124; 1000 Genomes Project 0.01218; gnomAD exomes 0.01624.

Submissions (2):

GeneDx
Classification: Likely benign. Last evaluated: 2018-06-19. Review status: criteria provided, single submitter. Criteria: GeneDx Variant Classification (06012015). Collection method: clinical testing. Allele origin: germline. Affected: yes.
Comment: This variant is considered likely benign or benign based on one or more of the following criteria: it is a conservative change, it occurs at a poorly conserved position in the protein, it is predicted to be benign by multiple in silico algorithms, and/or has population frequency not consistent with disease.

Breakthrough Genomics
Classification: Likely benign. Review status: criteria provided, single submitter. Criteria: ACMG Guidelines, 2015. Collection method: not provided. Allele origin: germline. Inheritance: Autosomal recessive inheritance. Affected: yes.

NM_152393.4(KLHL40):c.1607+57G>A

Gene: KLHL40 (kelch like family member 40; plus strand). Cytogenetic location: 3p22.1.
Variant type: single nucleotide variant.
Coding change: c.1607+57G>A on transcript NM_152393.4 (MANE Select); 57 bases into the intron after coding-DNA position 1607, G replaced by A.
Molecular consequence: intron variant.
Genome position (GRCh38, 1-based): chr3:42,689,111, G>A. VCF-style: chr3-42689111-G-A. GRCh37 (hg19) VCF-style: chr3-42730603-G-A.
Identifiers: ClinVar variation 682891 (VCV000682891.2), dbSNP rs148311297, ClinGen allele CA74195283.
Genomic context (GRCh38, chr3:42,689,111, plus strand): 5'-ACAAGTATGAAAGCTTGTCCCTTCCGCCAAGGACAACTGCATGGCTTTGGGCTTCTGTCA[G>A]CCCCAGCAGGAGCTGCAGTCCCTGTCTTGGGTCTCCAGTGTTGACTTTGGACATCAGTAT-3'